The following is an entry in ClinVar:

ClinVar aggregate classification (germline): Uncertain significance (1 of 4 stars; one submission).

Conditions:
Dyskeratosis congenita, autosomal recessive 5 (DKCB5). Identifiers: MedGen C3554656, MONDO:0014076, OMIM 615190.
Pulmonary fibrosis and/or bone marrow failure, Telomere-related, 3. Also called: PULMONARY FIBROSIS AND/OR BONE MARROW FAILURE SYNDROME, TELOMERE-RELATED, 3. Identifiers: Orphanet 2032, MedGen C4225346, MONDO:0014613, OMIM 616373.

Submission:

Labcorp Genetics (formerly Invitae), Labcorp
Classification: Uncertain significance for Dyskeratosis congenita, autosomal recessive 5; Pulmonary fibrosis and/or bone marrow failure, Telomere-related, 3. Last evaluated: 2023-09-17. Review status: criteria provided, single submitter. Criteria: Invitae Variant Classification Sherloc (09022015). Collection method: clinical testing. Allele origin: germline.
Comment: In summary, the available evidence is currently insufficient to determine the role of this variant in disease. Therefore, it has been classified as a Variant of Uncertain Significance. An algorithm developed to predict the effect of missense changes on protein structure and function (PolyPhen-2) suggests that this variant is likely to be disruptive. This variant has not been reported in the literature in individuals affected with RTEL1-related conditions. This variant is not present in population databases (gnomAD no frequency). This sequence change replaces cysteine, which is neutral and slightly polar, with tryptophan, which is neutral and slightly polar, at codon 976 of the RTEL1 protein (p.Cys976Trp).

NM_001283009.2(RTEL1):c.2928T>G (p.Cys976Trp)

Genes: RTEL1 (regulator of telomere elongation helicase 1; plus strand), RTEL1-TNFRSF6B (RTEL1-TNFRSF6B readthrough (NMD candidate); plus strand). Cytogenetic location: 20q13.33.
Variant type: single nucleotide variant.
Coding change: c.2928T>G on transcript NM_001283009.2 (MANE Select); coding-DNA position 2928, T replaced by G.
Protein change: p.Cys976Trp; replaces cysteine 976 with tryptophan.
Molecular consequence: missense variant. On other transcripts: non-coding transcript variant (1).
Genome position (GRCh38, 1-based): chr20:63,693,219, T>G. VCF-style: chr20-63693219-T-G. GRCh37 (hg19) VCF-style: chr20-62324572-T-G.
Other names: c.2259T>G, p.Cys753Trp (NM_001283010.1); c.2928T>G, p.Cys976Trp (NM_016434.4); c.3000T>G, p.Cys1000Trp (NM_032957.5); short protein forms C753W, C976W, C1000W.
Identifiers: ClinVar variation 2951997 (VCV002951997.3), dbSNP rs2145449075, ClinGen allele CA409683322.